The following is an entry in ClinVar:

NM_005909.5(MAP1B):c.369+2T>C

Gene: MAP1B (microtubule associated protein 1B; plus strand). Cytogenetic location: 5q13.2.
Variant type: single nucleotide variant.
Coding change: c.369+2T>C on transcript NM_005909.5 (MANE Select); the canonical splice donor site of the intron after coding-DNA position 369, T replaced by C.
Molecular consequence: splice donor variant.
Genome position (GRCh38, 1-based): chr5:72,183,827, T>C. VCF-style: chr5-72183827-T-C. GRCh37 (hg19) VCF-style: chr5-71479654-T-C.
Other names: c.-10+2T>C (NM_001324255.2).
Identifiers: ClinVar variation 4881024 (VCV004881024.2).

ClinVar aggregate classification (germline): Uncertain significance (1 of 4 stars; one submission).

gnomAD v4.1: 1 of 1,613,620 alleles (0.000062%); no homozygotes.

Submission:

Dasa
Classification: Uncertain significance. Last evaluated: 2026-03-03. Review status: criteria provided, single submitter. Criteria: DASA Assertion Criteria. Collection method: clinical testing. Allele origin: germline.
Comment: NM_005909.5(MAP1B):c.369+2T>C affects a canonical splice site and is predicted to disrupt normal RNA splicing. This variant is rare in population databases. The currently available literature and clinical evidence are not sufficient to establish a definitive association between this variant and the reported condition. Therefore, this variant is classified as a variant of uncertain significance.